The following is an entry in ClinVar:

ClinVar aggregate classification (germline): Uncertain significance (1 of 4 stars; one submission).

Conditions:
Inborn genetic diseases. Identifiers: MedGen C0950123, MeSH D030342.

Submission:

Ambry Genetics
Classification: Uncertain significance for Inborn genetic diseases. Last evaluated: 2025-08-01. Review status: criteria provided, single submitter. Criteria: Ambry Variant Classification Scheme 2023. Collection method: clinical testing. Allele origin: germline.
Comment: The p.K137T variant (also known as c.410A>C), located in coding exon 3 of the MBD4 gene, results from an A to C substitution at nucleotide position 410. The lysine at codon 137 is replaced by threonine, an amino acid with similar properties. This amino acid position is conserved. In addition, this alteration is predicted to be tolerated by in silico analysis. Based on the available evidence, the clinical significance of this variant remains unclear.

NM_001276270.2(MBD4):c.410A>C (p.Lys137Thr)

Gene: MBD4 (methyl-CpG binding domain 4, DNA glycosylase; minus strand). Cytogenetic location: 3q21.3.
Variant type: single nucleotide variant.
Coding change: c.410A>C on transcript NM_001276270.2 (MANE Select); coding-DNA position 410, A replaced by C.
Protein change: p.Lys137Thr; replaces lysine 137 with threonine.
Molecular consequence: missense variant. On other transcripts: intron variant (1).
Genome position (GRCh38, 1-based): chr3:129,437,234, T>G on the plus strand (A>C on the coding strand, the complement: MBD4 is on the minus strand). VCF-style: chr3-129437234-T-G. GRCh37 (hg19) VCF-style: chr3-129156077-T-G.
Other names: c.410A>C, p.Lys137Thr (NM_001276271.2, NM_001276272.2, NM_003925.3); c.247+574A>C (NM_001276273.2); short protein forms K137T.
Identifiers: ClinVar variation 4104632 (VCV004104632.1).